The following is an entry in ClinVar:

ClinVar aggregate classification (germline): Uncertain significance (1 of 4 stars; one submission).

Allele frequency attached by ClinVar (database versions not stated): gnomAD exomes below 0.00001; ExAC 0.00001; gnomAD 0.00001; TOPMed 0.00001; ESP Exome Variant Server 0.00008.
gnomAD v4.1: 2 of 1,613,478 alleles (0.00012%); highest among the groups gnomAD compares: African/African-American, 0.0027%; no homozygotes.

Submission:

Labcorp Genetics (formerly Invitae), Labcorp
Classification: Uncertain significance. Last evaluated: 2023-10-09. Review status: criteria provided, single submitter. Criteria: Invitae Variant Classification Sherloc (09022015). Collection method: clinical testing. Allele origin: germline.
Comment: This sequence change replaces serine, which is neutral and polar, with threonine, which is neutral and polar, at codon 1695 of the DCHS1 protein (p.Ser1695Thr). This variant is present in population databases (rs374733838, gnomAD 0.007%). This variant has not been reported in the literature in individuals affected with DCHS1-related conditions. Advanced modeling of protein sequence and biophysical properties (such as structural, functional, and spatial information, amino acid conservation, physicochemical variation, residue mobility, and thermodynamic stability) performed at Invitae indicates that this missense variant is not expected to disrupt DCHS1 protein function. In summary, the available evidence is currently insufficient to determine the role of this variant in disease. Therefore, it has been classified as a Variant of Uncertain Significance.

NM_003737.4(DCHS1):c.5083T>A (p.Ser1695Thr)

Gene: DCHS1 (dachsous cadherin-related 1; minus strand). Cytogenetic location: 11p15.4.
Variant type: single nucleotide variant.
Coding change: c.5083T>A on transcript NM_003737.4 (MANE Select); coding-DNA position 5083, T replaced by A.
Protein change: p.Ser1695Thr; replaces serine 1695 with threonine.
Molecular consequence: missense variant.
Genome position (GRCh38, 1-based): chr11:6,629,530, A>T on the plus strand (T>A on the coding strand, the complement: DCHS1 is on the minus strand). VCF-style: chr11-6629530-A-T. GRCh37 (hg19) VCF-style: chr11-6650761-A-T.
Other names: short protein forms S1695T.
Identifiers: ClinVar variation 2767223 (VCV002767223.3), dbSNP rs374733838, ClinGen allele CA5860179.
Genomic context (GRCh38, chr11:6,629,530, plus strand): 5'-CCTGTTCCTCTCGATCCAGGGCCCGAAGAGTCGTGAGAACACCAGTGTCAGGATCCAGAG[A>T]AAAGCTTTCGCTAGAGACGCCTCCATAAGTCACTTGCCCGTTGGCCCCTGAGGAGGGGCA-3'
Protein context (NP_003728.1, residues 1685-1705): TYGGVSSESF[Ser1695Thr]LDPDTGVLTT